The following is an entry in ClinVar:

ClinVar aggregate classification (germline): Uncertain significance (1 of 4 stars; one submission).

Conditions:
Hereditary cancer-predisposing syndrome. Also called: Neoplastic Syndromes, Hereditary; Tumor predisposition; Hereditary neoplastic syndrome; Hereditary Cancer Syndrome. Identifiers: Orphanet 140162, MedGen C0027672, MeSH D009386, MONDO:0015356.

Submission:

Ambry Genetics
Classification: Uncertain significance for Hereditary cancer-predisposing syndrome. Last evaluated: 2024-01-31. Review status: criteria provided, single submitter. Criteria: Ambry Variant Classification Scheme 2023. Collection method: clinical testing. Allele origin: germline.
Comment: The p.L211F variant (also known as c.631C>T), located in coding exon 3 of the TMEM127 gene, results from a C to T substitution at nucleotide position 631. The leucine at codon 211 is replaced by phenylalanine, an amino acid with highly similar properties. This amino acid position is conserved. In addition, this alteration is predicted to be deleterious by in silico analysis. Based on the available evidence, the clinical significance of this alteration remains unclear.

NM_017849.4(TMEM127):c.631C>T (p.Leu211Phe)

Gene: TMEM127 (transmembrane protein 127; minus strand). Cytogenetic location: 2q11.2.
Variant type: single nucleotide variant.
Coding change: c.631C>T on transcript NM_017849.4 (MANE Select); coding-DNA position 631, C replaced by T.
Protein change: p.Leu211Phe; replaces leucine 211 with phenylalanine.
Molecular consequence: missense variant.
Genome position (GRCh38, 1-based): chr2:96,253,894, G>A on the plus strand (C>T on the coding strand, the complement: TMEM127 is on the minus strand). VCF-style: chr2-96253894-G-A. GRCh37 (hg19) VCF-style: chr2-96919632-G-A.
Other names: c.631C>T, p.Leu211Phe (NM_001193304.3); c.379C>T, p.Leu127Phe (NM_001407282.1, NM_001407283.1); short protein forms L127F, L211F.
Identifiers: ClinVar variation 3227090 (VCV003227090.1), dbSNP rs2104283317, ClinGen allele CA347651823.